The following is an entry in ClinVar:

NM_001365536.1(SCN9A):c.265A>G (p.Ile89Val)

Gene: SCN9A (sodium voltage-gated channel alpha subunit 9; minus strand). Cytogenetic location: 2q24.3.
Variant type: single nucleotide variant.
Coding change: c.265A>G on transcript NM_001365536.1 (MANE Select); coding-DNA position 265, A replaced by G.
Protein change: p.Ile89Val; replaces isoleucine 89 with valine.
Molecular consequence: missense variant.
Genome position (GRCh38, 1-based): chr2:166,307,068, T>C on the plus strand (A>G on the coding strand, the complement: SCN9A is on the minus strand). VCF-style: chr2-166307068-T-C. GRCh37 (hg19) VCF-style: chr2-167163578-T-C.
Other names: c.265A>G, p.Ile89Val (NM_002977.4); short protein forms I89V.
Identifiers: ClinVar variation 1474237 (VCV001474237.10), dbSNP rs201577842, ClinGen allele CA1944837.

ClinVar aggregate classification (germline): Conflicting classifications of pathogenicity. Review status: criteria provided, conflicting classifications (1 of 4 stars). 2 submissions from 2 submitters: Uncertain significance (1); Likely benign (1). Last evaluated 2023-12-13.

Conditions:
Inborn genetic diseases. Identifiers: MedGen C0950123, MeSH D030342.
Generalized epilepsy with febrile seizures plus, type 7 (GEFSP7). Also called: GEFS+, TYPE 7. Identifiers: Orphanet 36387, MedGen C2751778, MONDO:0013470, OMIM 613863.
Neuropathy, hereditary sensory and autonomic, type 2A (HSAN2A). Also called: ACROOSTEOLYSIS, GIACCAI TYPE; ACROOSTEOLYSIS, NEUROGENIC; MORVAN DISEASE; HSAN IIA; NEUROPATHY, CONGENITAL SENSORY; NEUROPATHY, HEREDITARY SENSORY RADICULAR, AUTOSOMAL RECESSIVE. Identifiers: Orphanet 970, MedGen C2752089, MONDO:0024309, OMIM 201300.

Allele frequency attached by ClinVar (database versions not stated): gnomAD exomes 0.00001; ExAC 0.00002.
gnomAD v4.1: 11 of 1,572,702 alleles (0.0007%); highest among the groups gnomAD compares: African/African-American, 0.011%; no homozygotes.

Submissions (2):

Labcorp Genetics (formerly Invitae), Labcorp
Classification: Likely benign for Neuropathy, hereditary sensory and autonomic, type 2A; Generalized epilepsy with febrile seizures plus, type 7. Last evaluated: 2023-12-13. Review status: criteria provided, single submitter. Criteria: Invitae Variant Classification Sherloc (09022015). Collection method: clinical testing. Allele origin: germline.

Ambry Genetics
Classification: Uncertain significance for Inborn genetic diseases. Last evaluated: 2020-10-13. Review status: criteria provided, single submitter. Criteria: Ambry Variant Classification Scheme 2023. Collection method: clinical testing. Allele origin: germline.
Comment: The p.I89V variant (also known as c.265A>G), located in coding exon 2 of the SCN9A gene, results from an A to G substitution at nucleotide position 265. The isoleucine at codon 89 is replaced by valine, an amino acid with highly similar properties. This amino acid position is highly conserved in available vertebrate species. In addition, the in silico prediction for this alteration is inconclusive. Since supporting evidence is limited at this time, the clinical significance of this alteration remains unclear.